The following is an entry in ClinVar:

NM_004168.4(SDHA):c.313G>A (p.Gly105Arg)

Gene: SDHA (succinate dehydrogenase complex flavoprotein subunit A; plus strand). Cytogenetic location: 5p15.33.
Variant type: single nucleotide variant.
Coding change: c.313G>A on transcript NM_004168.4 (MANE Select); coding-DNA position 313, G replaced by A.
Protein change: p.Gly105Arg; replaces glycine 105 with arginine.
Molecular consequence: missense variant. On other transcripts: intron variant (1).
Genome position (GRCh38, 1-based): chr5:225,419, G>A. VCF-style: chr5-225419-G-A. GRCh37 (hg19) VCF-style: chr5-225534-G-A.
Other names: c.313G>A, p.Gly105Arg (NM_001330758.2); c.313-464G>A (NM_001294332.2); short protein forms G105R.
Identifiers: ClinVar variation 1448043 (VCV001448043.6), dbSNP rs2126546583, ClinGen allele CA359009181.

ClinVar aggregate classification (germline): Uncertain significance (1 of 4 stars; one submission).

Conditions:
Mitochondrial complex II deficiency, nuclear type 1. Also called: SUCCINATE CoQ REDUCTASE DEFICIENCY. Identifiers: Orphanet 3208, MedGen C5700310, MONDO:0100294, OMIM 252011.
Pheochromocytoma/paraganglioma syndrome 5. Also called: Paragangliomas 5; SDHA-Related Hereditary Paraganglioma-Pheochromocytoma Syndrome. Identifiers: Orphanet 29072, MedGen C3279992, MONDO:0013602, OMIM 614165.

Submission:

Labcorp Genetics (formerly Invitae), Labcorp
Classification: Uncertain significance for Pheochromocytoma/paraganglioma syndrome 5; Mitochondrial complex II deficiency, nuclear type 1. Last evaluated: 2021-09-15. Review status: criteria provided, single submitter. Criteria: Invitae Variant Classification Sherloc (09022015). Collection method: clinical testing. Allele origin: germline.
Comment: This sequence change replaces glycine with arginine at codon 105 of the SDHA protein (p.Gly105Arg). The glycine residue is highly conserved and there is a moderate physicochemical difference between glycine and arginine. This variant is not present in population databases (ExAC no frequency). This variant has not been reported in the literature in individuals affected with SDHA-related conditions. Algorithms developed to predict the effect of missense changes on protein structure and function (SIFT, PolyPhen-2, Align-GVGD) all suggest that this variant is likely to be disruptive. Algorithms developed to predict the effect of sequence changes on RNA splicing suggest that this variant may disrupt the consensus splice site. In summary, the available evidence is currently insufficient to determine the role of this variant in disease. Therefore, it has been classified as a Variant of Uncertain Significance.